The following is an entry in ClinVar:

ClinVar aggregate classification (germline): Conflicting classifications of pathogenicity. Review status: criteria provided, conflicting classifications (1 of 4 stars). 3 submissions from 3 submitters: Uncertain significance (1); Benign (1). 1 of the submissions does not count toward it. Last evaluated 2021-05-04.

Conditions:
GCSH-related disorder. Also called: GCSH-related condition.

Allele frequency attached by ClinVar (database versions not stated): gnomAD exomes 0.09245; ExAC 0.13063.

Submissions (3):

GeneDx
Classification: Benign. Last evaluated: 2021-05-04. Review status: criteria provided, single submitter. Criteria: GeneDx Variant Classification Process June 2021. Collection method: clinical testing. Allele origin: germline. Affected: yes.

CeGaT Center for Human Genetics Tuebingen
Classification: Uncertain significance. Last evaluated: 2016-07-01. Review status: criteria provided, single submitter. Criteria: CeGaT Center For Human Genetics Tuebingen Variant Classification Criteria Version 2. Collection method: clinical testing. Allele origin: germline. Affected: yes. Observed: 1 variant allele.

PreventionGenetics, part of Exact Sciences
Classification: Benign for GCSH-related condition. Last evaluated: 2019-06-14. Review status: no assertion criteria provided. Collection method: clinical testing. Allele origin: germline. Not counted in ClinVar's aggregate classification.
Comment: This variant is classified as benign based on ACMG/AMP sequence variant interpretation guidelines (Richards et al. 2015 PMID: 25741868, with internal and published modifications).

NM_004483.5(GCSH):c.-4G>T

Genes: GCSH (glycine cleavage system protein H; minus strand), LOC130059495 (ATAC-STARR-seq lymphoblastoid silent region 7751; plus strand). Cytogenetic location: 16q23.2.
Variant type: single nucleotide variant.
Coding change: c.-4G>T on transcript NM_004483.5 (MANE Select); 4 bases upstream of the start codon, G replaced by T.
Molecular consequence: 5 prime UTR variant. On other transcripts: non-coding transcript variant (1).
Genome position (GRCh38, 1-based): chr16:81,096,282, C>A on the plus strand (G>T on the coding strand, the complement: GCSH is on the minus strand). VCF-style: chr16-81096282-C-A. GRCh37 (hg19) VCF-style: chr16-81129887-C-A.
Other names: c.-4G>T (NM_004483.4).
Identifiers: ClinVar variation 808113 (VCV000808113.45), dbSNP rs779613867, ClinGen allele CA8186835.